The following is an entry in ClinVar:

ClinVar aggregate classification (germline): Uncertain significance (1 of 4 stars; one submission).

Conditions:
Inborn genetic diseases. Identifiers: MedGen C0950123, MeSH D030342.

gnomAD v4.1: 1 of 1,614,114 alleles (0.000062%); highest among the groups gnomAD compares: Non-Finnish European, 0.000085%; no homozygotes.

Submission:

Ambry Genetics
Classification: Uncertain significance for Inborn genetic diseases. Last evaluated: 2026-08-08. Review status: criteria provided, single submitter. Criteria: Ambry Variant Classification Scheme 2023. Collection method: clinical testing. Allele origin: germline.
Comment: The p.V1310M variant (also known as c.3928G>A), located in coding exon 13 of the ASXL1 gene, results from a G to A substitution at nucleotide position 3928. The valine at codon 1310 is replaced by methionine, an amino acid with highly similar properties. This amino acid position is conserved. In addition, this alteration is predicted to be tolerated by in silico analysis. Based on the available evidence, the clinical significance of this variant remains unclear.

NM_015338.6(ASXL1):c.3928G>A (p.Val1310Met)

Gene: ASXL1 (ASXL transcriptional regulator 1; plus strand). Cytogenetic location: 20q11.21.
Variant type: single nucleotide variant.
Coding change: c.3928G>A on transcript NM_015338.6 (MANE Select); coding-DNA position 3928, G replaced by A.
Protein change: p.Val1310Met; replaces valine 1310 with methionine.
Molecular consequence: missense variant.
Genome position (GRCh38, 1-based): chr20:32,436,640, G>A. VCF-style: chr20-32436640-G-A. GRCh37 (hg19) VCF-style: chr20-31024443-G-A.
Other names: c.3745G>A, p.Val1249Met (NM_001363734.1); short protein forms V1249M, V1310M.
Identifiers: ClinVar variation 5030212 (VCV005030212.1).